The following is an entry in ClinVar:

NM_005055.5(RAPSN):c.568G>T (p.Ala190Ser)

Gene: RAPSN (receptor associated protein of the synapse; minus strand). Cytogenetic location: 11p11.2.
Variant type: single nucleotide variant.
Coding change: c.568G>T on transcript NM_005055.5 (MANE Select); coding-DNA position 568, G replaced by T.
Protein change: p.Ala190Ser; replaces alanine 190 with serine.
Molecular consequence: missense variant.
Genome position (GRCh38, 1-based): chr11:47,442,778, C>A on the plus strand (G>T on the coding strand, the complement: RAPSN is on the minus strand). VCF-style: chr11-47442778-C-A. GRCh37 (hg19) VCF-style: chr11-47464330-C-A.
Other names: c.568G>T, p.Ala190Ser (NM_032645.5); short protein forms A190S.
Identifiers: ClinVar variation 640470 (VCV000640470.7), dbSNP rs779881502, ClinGen allele CA5976701.
Genomic context (GRCh38, chr11:47,442,778, plus strand): 5'-ACTGGCTCATGGCCCGGTACTTCAGGCTCCAGCCTTTGCCATAGTTGTTGACAAGCTCTG[C>A]CGCCTTGCAGGGGAAGAACAGGGCTTTCTCGTAGTCCTGCAGGGGACATGGAATGGAAGG-3'
Protein context (NP_005046.2, residues 180-200): EKALFFPCKA[Ala190Ser]ELVNNYGKGW

ClinVar aggregate classification (germline): Uncertain significance. Review status: criteria provided, single submitter (1 of 4 stars). 2 submissions from 2 submitters: Uncertain significance (1). 1 of the submissions does not count toward it. Last evaluated 2022-07-18.

Conditions:
Congenital myasthenic syndrome (CMS). Also called: Congenital Myasthenic Syndromes. Identifiers: Orphanet 590, MedGen C0751882, MeSH D020294, MONDO:0018940.
Fetal akinesia deformation sequence 1 (FADS1). Also called: Fetal akinesia sequence; Pena-Shokeir syndrome type I. Identifiers: Orphanet 994, MedGen C1276035, MONDO:0100101, OMIM 208150, HP:0001989.
Congenital myasthenic syndrome 11. Also called: MYASTHENIC SYNDROME, CONGENITAL, Ie; Myasthenic syndrome, congenital, 11, associated with acetylcholine receptor deficiency. Identifiers: Orphanet 590, MedGen C4225367, MONDO:0014588, OMIM 616326.

Allele frequency attached by ClinVar (database versions not stated): gnomAD below 0.00001 and 0.00002; gnomAD exomes 0.00001 and 0.00002; ExAC 0.00002.
gnomAD v4.1: 15 of 1,614,260 alleles (0.00093%); highest among the groups gnomAD compares: Middle Eastern, 0.016%; no homozygotes.

Submissions (2):

Labcorp Genetics (formerly Invitae), Labcorp
Classification: Uncertain significance for Congenital myasthenic syndrome 11; Fetal akinesia deformation sequence 1. Last evaluated: 2022-07-18. Review status: criteria provided, single submitter. Criteria: Invitae Variant Classification Sherloc (09022015). Collection method: clinical testing. Allele origin: germline.
Comment: This sequence change replaces alanine, which is neutral and non-polar, with serine, which is neutral and polar, at codon 190 of the RAPSN protein (p.Ala190Ser). This variant is present in population databases (rs779881502, gnomAD 0.01%). This variant has not been reported in the literature in individuals affected with RAPSN-related conditions. ClinVar contains an entry for this variant (Variation ID: 640470). Algorithms developed to predict the effect of missense changes on protein structure and function are either unavailable or do not agree on the potential impact of this missense change (SIFT: "Deleterious"; PolyPhen-2: "Probably Damaging"; Align-GVGD: "Class C0"). In summary, the available evidence is currently insufficient to determine the role of this variant in disease. Therefore, it has been classified as a Variant of Uncertain Significance.

Natera, Inc.
Classification: Uncertain significance for Congenital myasthenic syndrome. Last evaluated: 2020-09-09. Review status: no assertion criteria provided. Collection method: clinical testing. Allele origin: germline. Not counted in ClinVar's aggregate classification.